The following is an entry in ClinVar:

NM_001849.4(COL6A2):c.2213G>A (p.Arg738Gln)

Gene: COL6A2 (collagen type VI alpha 2 chain; plus strand). Cytogenetic location: 21q22.3.
Variant type: single nucleotide variant.
Coding change: c.2213G>A on transcript NM_001849.4 (MANE Select); coding-DNA position 2213, G replaced by A.
Protein change: p.Arg738Gln; replaces arginine 738 with glutamine.
Molecular consequence: missense variant.
Genome position (GRCh38, 1-based): chr21:46,126,028, G>A. VCF-style: chr21-46126028-G-A. GRCh37 (hg19) VCF-style: chr21-47545942-G-A.
Other names: c.2213G>A, p.Arg738Gln (NM_058174.3, NM_058175.3); short protein forms R738Q.
Identifiers: ClinVar variation 2884356 (VCV002884356.4), dbSNP rs772514891, ClinGen allele CA10072469.

ClinVar aggregate classification (germline): Uncertain significance. Review status: criteria provided, multiple submitters, no conflicts (2 of 4 stars). 2 submissions from 2 submitters: Uncertain significance (2). Last evaluated 2025-10-02.

Conditions:
Inborn genetic diseases. Identifiers: MedGen C0950123, MeSH D030342.
Bethlem myopathy 1A. Also called: Bethlem myopathy 1; MYOPATHY, BENIGN CONGENITAL, WITH CONTRACTURES; Bethlem Muscular Dystrophy. Identifiers: Orphanet 610, MedGen CN029274, MONDO:0024530, OMIM 158810.

Allele frequency attached by ClinVar (database versions not stated): ExAC 0.00001; gnomAD exomes 0.00001; TOPMed 0.00001; gnomAD 0.00003.
gnomAD v4.1: 9 of 1,612,852 alleles (0.00056%); highest among the groups gnomAD compares: Admixed American, 0.0033%; no homozygotes.

Submissions (2):

Labcorp Genetics (formerly Invitae), Labcorp
Classification: Uncertain significance for Bethlem myopathy 1A. Last evaluated: 2025-10-02. Review status: criteria provided, single submitter. Criteria: Invitae Variant Classification Sherloc (09022015). Collection method: clinical testing. Allele origin: germline.
Comment: This sequence change replaces arginine, which is basic and polar, with glutamine, which is neutral and polar, at codon 738 of the COL6A2 protein (p.Arg738Gln). This variant is present in population databases (rs772514891, gnomAD 0.005%). This variant has not been reported in the literature in individuals affected with COL6A2-related conditions. ClinVar contains an entry for this variant (Variation ID: 2884356). Invitae Evidence Modeling of protein sequence and biophysical properties (such as structural, functional, and spatial information, amino acid conservation, physicochemical variation, residue mobility, and thermodynamic stability) indicates that this missense variant is expected to disrupt COL6A2 protein function with a positive predictive value of 80%. In summary, the available evidence is currently insufficient to determine the role of this variant in disease. Therefore, it has been classified as a Variant of Uncertain Significance.

Ambry Genetics
Classification: Uncertain significance for Inborn genetic diseases. Last evaluated: 2024-10-19. Review status: criteria provided, single submitter. Criteria: Ambry Variant Classification Scheme 2023. Collection method: clinical testing. Allele origin: germline.